The following is an entry in ClinVar:

ClinVar aggregate classification (germline): Uncertain significance. Review status: criteria provided, multiple submitters, no conflicts (2 of 4 stars). 2 submissions from 2 submitters: Uncertain significance (2). Last evaluated 2025-06-24.

Conditions:
Inborn genetic diseases. Identifiers: MedGen C0950123, MeSH D030342.
Chédiak-Higashi syndrome (CHS). Also called: Chediak-Higashi Syndrome. Identifiers: Orphanet 167, MedGen C0007965, MONDO:0008963, OMIM 214500.

Submissions (2):

Ambry Genetics
Classification: Uncertain significance for Inborn genetic diseases. Last evaluated: 2025-06-24. Review status: criteria provided, single submitter. Criteria: Ambry Variant Classification Scheme 2023. Collection method: clinical testing. Allele origin: germline.

Labcorp Genetics (formerly Invitae), Labcorp
Classification: Uncertain significance for Chédiak-Higashi syndrome. Last evaluated: 2019-12-20. Review status: criteria provided, single submitter. Criteria: Invitae Variant Classification Sherloc (09022015). Collection method: clinical testing. Allele origin: germline.
Comment: In summary, the available evidence is currently insufficient to determine the role of this variant in disease. Therefore, it has been classified as a Variant of Uncertain Significance. Algorithms developed to predict the effect of missense changes on protein structure and function are either unavailable or do not agree on the potential impact of this missense change (SIFT: "Deleterious"; PolyPhen-2: "Benign"; Align-GVGD: "Class C0"). This variant has not been reported in the literature in individuals with LYST-related conditions. This variant is not present in population databases (ExAC no frequency). This sequence change replaces glutamine with arginine at codon 2602 of the LYST protein (p.Gln2602Arg). The glutamine residue is moderately conserved and there is a small physicochemical difference between glutamine and arginine.

NM_000081.4(LYST):c.7805A>G (p.Gln2602Arg)

Gene: LYST (lysosomal trafficking regulator; minus strand). Cytogenetic location: 1q42.3.
Variant type: single nucleotide variant.
Coding change: c.7805A>G on transcript NM_000081.4 (MANE Select); coding-DNA position 7805, A replaced by G.
Protein change: p.Gln2602Arg; replaces glutamine 2602 with arginine.
Molecular consequence: missense variant.
Genome position (GRCh38, 1-based): chr1:235,746,503, T>C on the plus strand (A>G on the coding strand, the complement: LYST is on the minus strand). VCF-style: chr1-235746503-T-C. GRCh37 (hg19) VCF-style: chr1-235909803-T-C.
Other names: c.7805A>G, p.Gln2602Arg (NM_001301365.1); c.7805A>G (NM_000081.2); short protein forms Q2602R.
Identifiers: ClinVar variation 847558 (VCV000847558.7), dbSNP rs2527668596, ClinGen allele CA344927828.